The following is an entry in ClinVar:

ClinVar aggregate classification (germline): Likely pathogenic (1 of 4 stars; one submission).

Conditions:
Osteogenesis imperfecta type I (OI1). Also called: Classic Non-deforming Osteogenesis Imperfecta with Blue Sclerae; Lobstein disease; OI, TYPE I; OSTEOGENESIS IMPERFECTA TARDA; OSTEOGENESIS IMPERFECTA WITH BLUE SCLERAE; Osteogenesis imperfecta type 1. Identifiers: Orphanet 216796, Orphanet 666, MedGen C0023931, MONDO:0008146, OMIM 166200. Disease mechanism: loss of function.

Submission:

Clinical Biomedical Laboratory, Shriners Hospital For Children - Canada
Classification: Likely pathogenic for Osteogenesis imperfecta type I. Last evaluated: 2025-07-16. Review status: criteria provided, single submitter. Criteria: ACMG Guidelines, 2015. Collection method: clinical testing. Allele origin: germline. Affected: yes.
Comment: This variant is predicted to substitute a tryptophan residue by a serine residue in the C-propeptide of collagen type I alpha 1 chain. This variant is absent from the Genome Aggregation Database (v2.1.1). The variant affects the C-propeptide of the alpha 1 chain of collagen type I. C-propeptide mutations are a common cause of osteogenesis imperfecta, as they can interfere with the association of alpha chains of collagen type I.

NM_000088.4(COL1A1):c.4223A>C (p.Tyr1408Ser)

Gene: COL1A1 (collagen type I alpha 1 chain; minus strand). Cytogenetic location: 17q21.33.
Variant type: single nucleotide variant.
Coding change: c.4223A>C on transcript NM_000088.4 (MANE Select); coding-DNA position 4223, A replaced by C.
Protein change: p.Tyr1408Ser; replaces tyrosine 1408 with serine.
Molecular consequence: missense variant.
Genome position (GRCh38, 1-based): chr17:50,185,803, T>G on the plus strand (A>C on the coding strand, the complement: COL1A1 is on the minus strand). VCF-style: chr17-50185803-T-G. GRCh37 (hg19) VCF-style: chr17-48263164-T-G.
Other names: short protein forms Y1408S.
Identifiers: ClinVar variation 4075331 (VCV004075331.1).
Genomic context (GRCh38, chr17:50,185,803, plus strand): 5'-AGGTGGGGCCCTGCCTGGGGATTCTGGGCACTCACCGTGCAGCCATCGACAGTGACGCTG[T>G]AGGTGAAGCGGCTGTTGCCCTCGGCGCGGATCTCGATCTCGTTGGAGCCCTGGAGGAGCA-3'
Protein context (NP_000079.2, residues 1398-1418): IRAEGNSRFT[Tyr1408Ser]SVTVDGCTSH